The following is an entry in ClinVar:

NM_006059.4(LAMC3):c.1507G>A (p.Asp503Asn)

Gene: LAMC3 (laminin subunit gamma 3; plus strand). Cytogenetic location: 9q34.12.
Variant type: single nucleotide variant.
Coding change: c.1507G>A on transcript NM_006059.4 (MANE Select); coding-DNA position 1507, G replaced by A.
Protein change: p.Asp503Asn; replaces aspartic acid 503 with asparagine.
Molecular consequence: missense variant.
Genome position (GRCh38, 1-based): chr9:131,045,648, G>A. VCF-style: chr9-131045648-G-A. GRCh37 (hg19) VCF-style: chr9-133921035-G-A.
Other names: short protein forms D503N.
Identifiers: ClinVar variation 2659623 (VCV002659623.24), dbSNP rs200393760, ClinGen allele CA200694665.
Genomic context (GRCh38, chr9:131,045,648, plus strand): 5'-TATGGCCACTCCAAGGTGTGCGCGTCCACTGCCCAGTTCCAGGTGCATCACATCCTCAGC[G>A]ATTTCCACCAGGGTAAGAGATGCTCCCTGCAAACGCCTCCCAAGGGTCTGCTCCCAGCCT-3'
Protein context (NP_006050.3, residues 493-513): AQFQVHHILS[Asp503Asn]FHQGAEGWWA

ClinVar aggregate classification (germline): Uncertain significance (1 of 4 stars; one submission).

Allele frequency attached by ClinVar (database versions not stated): 1000 Genomes Project 0.00020; gnomAD 0.00001; gnomAD exomes 0.00001; TOPMed 0.00001; 1000 Genomes Project 30x 0.00016.
gnomAD v4.1: 11 of 1,614,166 alleles (0.00068%); highest among the groups gnomAD compares: East Asian, 0.0045%; no homozygotes.

Submission:

CeGaT Center for Human Genetics Tuebingen
Classification: Uncertain significance. Last evaluated: 2023-09-01. Review status: criteria provided, single submitter. Criteria: CeGaT Center For Human Genetics Tuebingen Variant Classification Criteria Version 2. Collection method: clinical testing. Allele origin: germline. Affected: yes. Observed: 1 variant allele.
Comment: LAMC3: PM2, BP4